The following is an entry in ClinVar:

ClinVar aggregate classification (germline): Uncertain significance. Review status: criteria provided, multiple submitters, no conflicts (2 of 4 stars). 5 submissions from 5 submitters: Uncertain significance (4). 1 of the submissions does not count toward it. Last evaluated 2022-04-10.

Conditions:
Cardiovascular phenotype. Identifiers: MedGen CN230736.
Classic homocystinuria. Also called: Homocystinuria due to Cystathionine Beta-Synthase Deficiency; HOMOCYSTINURIA WITH OR WITHOUT RESPONSE TO PYRIDOXINE; Homocystinuria due to CBS deficiency; Cystathionine beta-synthase deficiency; CBS deficiency. Identifiers: Orphanet 394, MedGen C0751202, MONDO:0009352, OMIM 236200.
HYPERHOMOCYSTEINEMIA, THROMBOTIC, CBS-RELATED. Identifiers: MedGen C3150344, OMIM 236200.

Allele frequency attached by ClinVar (database versions not stated): gnomAD 0.00003; ESP Exome Variant Server 0.00008.

Submissions (5):

Labcorp Genetics (formerly Invitae), Labcorp
Classification: Uncertain significance for HYPERHOMOCYSTEINEMIA, THROMBOTIC, CBS-RELATED. Last evaluated: 2022-04-10. Review status: criteria provided, single submitter. Criteria: Invitae Variant Classification Sherloc (09022015). Collection method: clinical testing. Allele origin: germline.
Comment: This sequence change replaces methionine, which is neutral and non-polar, with valine, which is neutral and non-polar, at codon 337 of the CBS protein (p.Met337Val). This variant is present in population databases (rs372822486, gnomAD 0.002%). This variant has not been reported in the literature in individuals affected with CBS-related conditions. ClinVar contains an entry for this variant (Variation ID: 212859). Algorithms developed to predict the effect of missense changes on protein structure and function (SIFT, PolyPhen-2, Align-GVGD) all suggest that this variant is likely to be tolerated. In summary, the available evidence is currently insufficient to determine the role of this variant in disease. Therefore, it has been classified as a Variant of Uncertain Significance.

Fulgent Genetics
Classification: Uncertain significance for Classic homocystinuria. Last evaluated: 2022-02-11. Review status: criteria provided, single submitter. Criteria: ACMG Guidelines, 2015. Collection method: clinical testing. Allele origin: unknown.

GeneDx
Classification: Uncertain significance. Last evaluated: 2017-03-07. Review status: criteria provided, single submitter. Criteria: GeneDx Variant Classification (06012015). Collection method: clinical testing. Allele origin: germline. Affected: yes.
Comment: The M337V variant in the CBS gene has not been reported previously as a pathogenic variant, nor as a benign variant, to our knowledge. The M337V variant is not observed in large population cohorts (Lek et al., 2016; 1000 Genomes Consortium et al., 2015; Exome Variant Server). The M337V variant is a conservative amino acid substitution, which is not likely to impact secondary protein structure as these residues share similar properties. While this substitution occurs at a position that is conserved across species, in silico analysis is inconsistent in its predictions as to whether or not the variant is damaging to the protein structure/function. Missense variants in nearby residues (R336C, R336H, L338P) have been reported in the Human Gene Mutation Database in association with homocystinuria (Stenson et al., 2014), supporting the functional importance of this region of the protein. We interpret M337V as a variant of uncertain significance.

Ambry Genetics
Classification: Uncertain significance for Cardiovascular phenotype. Last evaluated: 2014-05-20. Review status: criteria provided, single submitter. Criteria: Ambry Autosomal Dominant and X-Linked criteria (10/2015). Collection method: clinical testing. Allele origin: germline. Observed: 1 variant allele.
Comment: The p.M337V variant (also known as c.1009A>G), located in coding exon 9 of the CBS gene, results from an A to G substitution at nucleotide position 1009. The methionine at codon 337 is replaced by valine, an amino acid with highly similar properties. Based on data from the NHLBI Exome Sequencing Project (ESP), the G-allele has an overall frequency of approximately 0.01% (1/13,006), having been observed in 0.02% (1/4406) of African American allelesand in none of 8600 European American alleles. This amino acid position is highly conserved in available vertebrate species. In addition, this alteration is predicted to be benignby PolyPhen but deleterious by SIFTin silico analyses.Since supporting evidence is limited at this time, the clinical significance of this variant remains unclear.

Natera, Inc.
Classification: Uncertain significance for Homocystinuria due to cystathionine beta-synthase deficiency. Last evaluated: 2021-04-12. Review status: no assertion criteria provided. Collection method: clinical testing. Allele origin: germline. Not counted in ClinVar's aggregate classification.

NM_000071.3(CBS):c.1009A>G (p.Met337Val)

Gene: CBS (cystathionine beta-synthase; minus strand). Cytogenetic location: 21q22.3.
Variant type: single nucleotide variant.
Coding change: c.1009A>G on transcript NM_000071.3 (MANE Select); coding-DNA position 1009, A replaced by G.
Protein change: p.Met337Val; replaces methionine 337 with valine.
Molecular consequence: missense variant.
Genome position (GRCh38, 1-based): chr21:43,062,341, T>C on the plus strand (A>G on the coding strand, the complement: CBS is on the minus strand). VCF-style: chr21-43062341-T-C. GRCh37 (hg19) VCF-style: chr21-44482451-T-C.
Other names: p.M337V:ATG>GTG; c.1009A>G, p.Met337Val (NM_001178008.3, NM_001178009.3, NM_001320298.2); c.694A>G, p.Met232Val (NM_001321072.1); short protein forms M337V, M232V.
Identifiers: ClinVar variation 212859 (VCV000212859.8), dbSNP rs372822486, ClinGen allele CA320468.